The following is an entry in ClinVar:

NM_000051.4(ATM):c.342G>C (p.Arg114Ser)

Gene: ATM (ATM serine/threonine kinase; plus strand). Cytogenetic location: 11q22.3.
Variant type: single nucleotide variant.
Coding change: c.342G>C on transcript NM_000051.4 (MANE Select); coding-DNA position 342, G replaced by C.
Protein change: p.Arg114Ser; replaces arginine 114 with serine.
Molecular consequence: missense variant.
Genome position (GRCh38, 1-based): chr11:108,235,680, G>C. VCF-style: chr11-108235680-G-C. GRCh37 (hg19) VCF-style: chr11-108106407-G-C.
Other names: c.342G>C, p.Arg114Ser (NM_001351834.2); short protein forms R114S.
Identifiers: ClinVar variation 837305 (VCV000837305.16), dbSNP rs1555059036, ClinGen allele CA15067464.
Genomic context (GRCh38, chr11:108,235,680, plus strand): 5'-TTATTTTTGTTCAAATTTATGTTTTTCTTTATTTGTTTATTTTGAAATAGGAGCACCTAG[G>C]CTAAAATGTCAAGAACTCTTAAATTATATCATGGATACAGTGAAAGATTCATCTAATGGT-3'
Protein context (NP_000042.3, residues 104-124): FIKCANRRAP[Arg114Ser]LKCQELLNYI

ClinVar aggregate classification (germline): Uncertain significance. Review status: criteria provided, multiple submitters, no conflicts (2 of 4 stars). 5 submissions from 5 submitters: Uncertain significance (4). 1 of the submissions does not count toward it. Last evaluated 2025-11-05.

Conditions:
Hereditary cancer-predisposing syndrome. Also called: Tumor predisposition; Neoplastic Syndromes, Hereditary; Hereditary Cancer Syndrome; Hereditary neoplastic syndrome. Identifiers: Orphanet 140162, MedGen C0027672, MeSH D009386, MONDO:0015356.
Ataxia-telangiectasia syndrome (AT). Also called: Cerebello-oculocutaneous telangiectasia; Immunodeficiency with ataxia telangiectasia; ATAXIA-TELANGIECTASIA, COMPLEMENTATION GROUP A; ATAXIA-TELANGIECTASIA, FRESNO VARIANT; Ataxia-telangiectasia; Ataxia-telangiectasia, complementation group D. Identifiers: Orphanet 100, MedGen C0004135, MONDO:0008840, OMIM 208900.
ATM-related cancer predisposition. Also called: ATM-related cancer susceptibility. Identifiers: MedGen CN377759, MONDO:0700270.

gnomAD v4.1: 1 of 1,609,426 alleles (0.000062%); no homozygotes.

Submissions (5):

Labcorp Genetics (formerly Invitae), Labcorp
Classification: Uncertain significance for Ataxia-telangiectasia syndrome. Last evaluated: 2025-11-05. Review status: criteria provided, single submitter. Criteria: Invitae Variant Classification Sherloc (09022015). Collection method: clinical testing. Allele origin: germline.
Comment: This sequence change replaces arginine, which is basic and polar, with serine, which is neutral and polar, at codon 114 of the ATM protein (p.Arg114Ser). This variant is not present in population databases (gnomAD no frequency). This missense change has been observed in individual(s) with breast and/or ovarian cancer (PMID: 29470806). ClinVar contains an entry for this variant (Variation ID: 837305). Invitae Evidence Modeling of protein sequence and biophysical properties (such as structural, functional, and spatial information, amino acid conservation, physicochemical variation, residue mobility, and thermodynamic stability) indicates that this missense variant is not expected to disrupt ATM protein function with a negative predictive value of 95%. In summary, the available evidence is currently insufficient to determine the role of this variant in disease. Therefore, it has been classified as a Variant of Uncertain Significance.

Color Diagnostics, LLC DBA Color Health
Classification: Uncertain significance for Hereditary cancer-predisposing syndrome. Last evaluated: 2025-07-14. Review status: criteria provided, single submitter. Criteria: ACMG Guidelines, 2015. Collection method: clinical testing. Allele origin: germline.
Comment: This missense variant replaces arginine with serine at codon 114 of the ATM protein. Computational prediction suggests that this variant may not impact protein structure and function. To our knowledge, functional studies have not been reported for this variant. This variant has been reported in an individual affected with breast and/or ovarian cancer (PMID: 29470806). This variant has not been identified in the general population by the Genome Aggregation Database (gnomAD). The available evidence is insufficient to determine the role of this variant in disease conclusively. Therefore, this variant is classified as a Variant of Uncertain Significance.

Department of Pathology and Laboratory Medicine, Sinai Health System
Classification: Uncertain significance for ATM-related cancer predisposition. Last evaluated: 2024-10-21. Review status: criteria provided, single submitter. Criteria: ACMG Guidelines, 2015. Collection method: clinical testing. Allele origin: germline.

Ambry Genetics
Classification: Uncertain significance for Hereditary cancer-predisposing syndrome. Last evaluated: 2023-05-09. Review status: criteria provided, single submitter. Criteria: Ambry Variant Classification Scheme 2023. Collection method: clinical testing. Allele origin: germline.
Comment: The p.R114S variant (also known as c.342G>C), located in coding exon 4 of the ATM gene, results from a G to C substitution at nucleotide position 342. The arginine at codon 114 is replaced by serine, an amino acid with dissimilar properties. This variant was observed in a study of 1010 unrelated Indian patients with breast and/or ovarian cancer (Singh J et al. Breast Cancer Res Treat, 2018 Jul;170:189-196). This amino acid position is highly conserved in available vertebrate species. In addition, the in silico prediction for this alteration is inconclusive. Since supporting evidence is limited at this time, the clinical significance of this alteration remains unclear.

Natera, Inc.
Classification: Uncertain significance for Ataxia-telangiectasia. Last evaluated: 2020-08-11. Review status: no assertion criteria provided. Collection method: clinical testing. Allele origin: germline. Not counted in ClinVar's aggregate classification.

Literature cited by the submitters: PubMed 29470806 (cited by 3 submitters).